The following is an entry in ClinVar:

NM_005026.5(PIK3CD):c.2454C>T (p.Thr818=)

Gene: PIK3CD (phosphatidylinositol-4,5-bisphosphate 3-kinase catalytic subunit delta; plus strand). Cytogenetic location: 1p36.22.
Variant type: single nucleotide variant.
Coding change: c.2454C>T on transcript NM_005026.5 (MANE Select); coding-DNA position 2454, C replaced by T.
Protein change: p.Thr818=; no amino-acid change (threonine 818 retained).
Molecular consequence: synonymous variant.
Genome position (GRCh38, 1-based): chr1:9,723,152, C>T. VCF-style: chr1-9723152-C-T. GRCh37 (hg19) VCF-style: chr1-9783210-C-T.
Other names: p.Thr818=; c.2451C>T, p.Thr817= (NM_001350234.2); c.2367C>T, p.Thr789= (NM_001350235.1); c.2454C>T (LRG_191t1).
Identifiers: ClinVar variation 541088 (VCV000541088.21), dbSNP rs140234838, ClinGen allele CA577554.

ClinVar aggregate classification (germline): Likely benign. Review status: criteria provided, multiple submitters, no conflicts (2 of 4 stars). 6 submissions from 6 submitters: Likely benign (5). 1 of the submissions does not count toward it. Last evaluated 2026-02-01.

Conditions:
PIK3CD-related disorder. Also called: PIK3CD-related condition.
Immunodeficiency 14 (IMD14A). Also called: p110-DELTA-ACTIVATING MUTATION CAUSING SENESCENT T CELLS, LYMPHADENOPATHY, AND IMMUNODEFICIENCY; IMMUNODEFICIENCY 14A WITH LYMPHOPROLIFERATION, AUTOSOMAL DOMINANT; Activated PI3K Delta Syndrome Type 1 (APDS1); ACTIVATED PI3K-DELTA SYNDROME 1. Identifiers: Orphanet 397596, Orphanet 693661, MedGen C5907821, MONDO:0014222, OMIM 615513.

Allele frequency attached by ClinVar (database versions not stated): ExAC 0.00007; ESP Exome Variant Server 0.00008; gnomAD exomes 0.00010; 1000 Genomes Project 30x 0.00016; 1000 Genomes Project 0.00020; gnomAD 0.00023 and 0.00024; TOPMed 0.00026.
gnomAD v4.1: 185 of 1,613,734 alleles (0.011%); highest among the groups gnomAD compares: Middle Eastern, 0.066%; no homozygotes.

Submissions (6):

CeGaT Center for Human Genetics Tuebingen
Classification: Likely benign. Last evaluated: 2026-02-01. Review status: criteria provided, single submitter. Criteria: CeGaT Center For Human Genetics Tuebingen Variant Classification Criteria Version 2. Collection method: clinical testing. Allele origin: germline. Affected: yes. Observed: 1 variant allele.
Comment: PIK3CD: BP4, BP7

Labcorp Genetics (formerly Invitae), Labcorp
Classification: Likely benign for Activated PI3K-delta syndrome. Last evaluated: 2025-12-24. Review status: criteria provided, single submitter. Criteria: Invitae Variant Classification Sherloc (09022015). Collection method: clinical testing. Allele origin: germline.

Mayo Clinic Laboratories, Mayo Clinic
Classification: Likely benign. Last evaluated: 2025-09-11. Review status: criteria provided, single submitter. Criteria: ACMG Guidelines, 2015. Collection method: clinical testing. Allele origin: germline. Observed: 1 variant allele.
Comment: BP4, BP7

Blueprint Genetics
Classification: Likely benign. Last evaluated: 2024-07-16. Review status: criteria provided, single submitter. Criteria: ACMG Guidelines, 2015. Collection method: clinical testing. Allele origin: germline.

Genetic Services Laboratory, University of Chicago
Classification: Likely benign. Last evaluated: 2021-05-26. Review status: criteria provided, single submitter. Criteria: ACMG Guidelines, 2015. Collection method: clinical testing. Allele origin: germline. Affected: no.

PreventionGenetics, part of Exact Sciences
Classification: Likely benign for PIK3CD-related condition. Last evaluated: 2019-11-26. Review status: no assertion criteria provided. Collection method: clinical testing. Allele origin: germline. Not counted in ClinVar's aggregate classification.
Comment: This variant is classified as likely benign based on ACMG/AMP sequence variant interpretation guidelines (Richards et al. 2015 PMID: 25741868, with internal and published modifications).